The following is an entry in ClinVar:

NM_001918.5(DBT):c.488_489del (p.His163fs)

Gene: DBT (dihydrolipoamide branched chain transacylase E2; minus strand). Cytogenetic location: 1p21.2.
Variant type: Microsatellite.
Coding change: c.488_489del on transcript NM_001918.5 (MANE Select); coding-DNA positions 488 to 489, 2 bases deleted (AC; older notation c.488_489delAC).
Protein change: p.His163fs; shifts the reading frame from histidine 163.
Molecular consequence: frameshift variant.
Genome position (GRCh38, 1-based): chr1:100,218,692-100,218,693, GT deleted on the plus strand (AC on the coding strand, the reverse complement: DBT is on the minus strand); deleting any 2 consecutive bases within chr1:100,218,692-100,218,697 gives the same sequence; the c. name uses the placement nearest the transcript's 3' end. VCF-style (leftmost placement, unchanged base first): chr1-100218691-GGT-G. GRCh37 (hg19) VCF-style: chr1-100684247-GGT-G.
Other names: short protein forms H163fs.
Identifiers: ClinVar variation 951953 (VCV000951953.8), dbSNP rs760861011, ClinGen allele CA969726.

ClinVar aggregate classification (germline): Pathogenic/Likely pathogenic. Review status: criteria provided, multiple submitters, no conflicts (2 of 4 stars). 2 submissions from 2 submitters: Pathogenic (1); Likely pathogenic (1). Last evaluated 2025-05-02.

Conditions:
DBT-related disorder. Also called: DBT-related condition.
Maple syrup urine disease (MSUD). Identifiers: Orphanet 511, MedGen C0024776, MeSH D008375, MONDO:0009563. Disease mechanism: loss of function.

Submissions (2):

Labcorp Genetics (formerly Invitae), Labcorp
Classification: Pathogenic for Maple syrup urine disease. Last evaluated: 2025-05-02. Review status: criteria provided, single submitter. Criteria: Invitae Variant Classification Sherloc (09022015). Collection method: clinical testing. Allele origin: germline.
Comment: This sequence change creates a premature translational stop signal (p.His163Profs*24) in the DBT gene. It is expected to result in an absent or disrupted protein product. Loss-of-function variants in DBT are known to be pathogenic (PMID: 16579849, 16786533). This variant is present in population databases (rs760861011, gnomAD 0.002%). This variant has not been reported in the literature in individuals affected with DBT-related conditions. ClinVar contains an entry for this variant (Variation ID: 951953). For these reasons, this variant has been classified as Pathogenic.

Blueprint Genetics
Classification: Likely pathogenic for DBT-related disorders. Last evaluated: 2024-06-27. Review status: criteria provided, single submitter. Criteria: ACMG Guidelines, 2015. Collection method: clinical testing. Allele origin: germline. Affected: yes. Observed: 2 variant alleles.

Literature cited by the submitters: PubMed 16579849 (cited by Labcorp Genetics (formerly Invitae), Labcorp); PubMed 16786533 (cited by Labcorp Genetics (formerly Invitae), Labcorp).